The following is an entry in ClinVar:

ClinVar aggregate classification (germline): Pathogenic (1 of 4 stars; one submission).

Conditions:
Glycogen storage disease IXb (GSD9B). Also called: GLYCOGENOSIS OF LIVER AND MUSCLE, AUTOSOMAL RECESSIVE; GSD IXb; PHOSPHORYLASE KINASE DEFICIENCY OF LIVER AND MUSCLE, AUTOSOMAL RECESSIVE. Identifiers: Orphanet 79240, MedGen C0543514, MONDO:0009868, OMIM 261750.

Submission:

Labcorp Genetics (formerly Invitae), Labcorp
Classification: Pathogenic for Glycogen storage disease IXb. Last evaluated: 2022-11-13. Review status: criteria provided, single submitter. Criteria: Invitae Variant Classification Sherloc (09022015). Collection method: clinical testing. Allele origin: unknown.
Comment: For these reasons, this variant has been classified as Pathogenic. This variant has not been reported in the literature in individuals affected with PHKB-related conditions. This variant is a gross deletion of the genomic region encompassing exon(s) 1-6 of the PHKB gene, which includes the initiator codon. This deletion extends beyond the assayed region for this gene and therefore may encompass additional genes. It is expected to result in an absent or disrupted protein product. Loss-of-function variants in PHKB are known to be pathogenic (PMID: 9215682, 9326319).

Literature cited by the submitters: PubMed 9215682; PubMed 9326319.

NC_000016.9:g.(?_47495262)_(47549532_?)del

Gene: PHKB (phosphorylase kinase regulatory subunit beta; plus strand). Cytogenetic location: 16q12.1.
Variant type: Deletion.
Identifiers: ClinVar variation 3243379 (VCV003243379.1).